The following is an entry in ClinVar:

ClinVar aggregate classification (germline): Uncertain significance. Review status: criteria provided, multiple submitters, no conflicts (2 of 4 stars). 3 submissions from 3 submitters: Uncertain significance (3). Last evaluated 2024-10-18.

Conditions:
Inborn genetic diseases. Identifiers: MedGen C0950123, MeSH D030342.
Propionic acidemia (PROP). Also called: GLYCINEMIA, KETOTIC; HYPERGLYCINEMIA WITH KETOACIDOSIS AND LEUKOPENIA; KETOTIC HYPERGLYCINEMIA. Identifiers: Orphanet 35, MedGen C0268579, MONDO:0011628, OMIM 606054, HP:0003571.

Allele frequency attached by ClinVar (database versions not stated): gnomAD 0.00002 and 0.00005; TOPMed 0.00002; gnomAD exomes 0.00006 and 0.00007; ExAC 0.00012.
gnomAD v4.1: 90 of 1,612,106 alleles (0.0056%); highest among the groups gnomAD compares: South Asian, 0.058%; no homozygotes.

Submissions (3):

Labcorp Genetics (formerly Invitae), Labcorp
Classification: Uncertain significance for Propionic acidemia. Last evaluated: 2024-10-18. Review status: criteria provided, single submitter. Criteria: Invitae Variant Classification Sherloc (09022015). Collection method: clinical testing. Allele origin: germline.
Comment: This sequence change replaces glutamine, which is neutral and polar, with glutamic acid, which is acidic and polar, at codon 319 of the PCCA protein (p.Gln319Glu). This variant is present in population databases (rs750840362, gnomAD 0.05%). This variant has not been reported in the literature in individuals affected with PCCA-related conditions. ClinVar contains an entry for this variant (Variation ID: 1400182). Invitae Evidence Modeling of protein sequence and biophysical properties (such as structural, functional, and spatial information, amino acid conservation, physicochemical variation, residue mobility, and thermodynamic stability) has been performed for this missense variant. However, the output from this modeling did not meet the statistical confidence thresholds required to predict the impact of this variant on PCCA protein function. In summary, the available evidence is currently insufficient to determine the role of this variant in disease. Therefore, it has been classified as a Variant of Uncertain Significance.

Ambry Genetics
Classification: Uncertain significance for Inborn genetic diseases. Last evaluated: 2023-10-14. Review status: criteria provided, single submitter. Criteria: Ambry Variant Classification Scheme 2023. Collection method: clinical testing. Allele origin: germline.

GeneDx
Classification: Uncertain significance. Last evaluated: 2022-03-24. Review status: criteria provided, single submitter. Criteria: GeneDx Variant Classification Process June 2021. Collection method: clinical testing. Allele origin: germline. Affected: yes.
Comment: In silico analysis supports that this missense variant has a deleterious effect on protein structure/function; Has not been previously published as pathogenic or benign to our knowledge

NM_000282.4(PCCA):c.955C>G (p.Gln319Glu)

Gene: PCCA (propionyl-CoA carboxylase subunit alpha; plus strand). Cytogenetic location: 13q32.3.
Variant type: single nucleotide variant.
Coding change: c.955C>G on transcript NM_000282.4 (MANE Select); coding-DNA position 955, C replaced by G.
Protein change: p.Gln319Glu; replaces glutamine 319 with glutamic acid.
Molecular consequence: missense variant. On other transcripts: non-coding transcript variant (5).
Genome position (GRCh38, 1-based): chr13:100,273,236, C>G. VCF-style: chr13-100273236-C-G. GRCh37 (hg19) VCF-style: chr13-100925490-C-G.
Other names: c.877C>G, p.Gln293Glu (NM_001352607.2, NM_001352608.2, NM_001127692.3); c.955C>G, p.Gln319Glu (NM_001352609.2, NM_001178004.2, NM_001352605.2 and 1 more transcripts); c.10C>G, p.Gln4Glu (NM_001352610.2, NM_001352611.2, NM_001352612.2); short protein forms Q319E, Q4E, Q293E.
Identifiers: ClinVar variation 1400182 (VCV001400182.9), dbSNP rs750840362, ClinGen allele CA7033465.